The following is an entry in ClinVar:

NM_000228.3(LAMB3):c.298+5G>C

Gene: LAMB3 (laminin subunit beta 3; minus strand). Cytogenetic location: 1q32.2.
Variant type: single nucleotide variant.
Coding change: c.298+5G>C on transcript NM_000228.3 (MANE Select); 5 bases into the intron after coding-DNA position 298, G replaced by C.
Molecular consequence: intron variant.
Genome position (GRCh38, 1-based): chr1:209,638,529, C>G on the plus strand (G>C on the coding strand, the complement: LAMB3 is on the minus strand). VCF-style: chr1-209638529-C-G. GRCh37 (hg19) VCF-style: chr1-209811874-C-G.
Other names: c.298+5G>C (NM_001127641.1, NM_001017402.2, NM_000228.2).
Identifiers: ClinVar variation 1705524 (VCV001705524.4), dbSNP rs754529975, ClinGen allele CA1376047.

ClinVar aggregate classification (germline): Conflicting classifications of pathogenicity. Review status: criteria provided, conflicting classifications (1 of 4 stars). 2 submissions from 2 submitters: Likely pathogenic (1); Uncertain significance (1). Last evaluated 2024-02-28.

Conditions:
Junctional epidermolysis bullosa gravis of Herlitz. Also called: Epidermolysis Bullosa Letalis; Herlitz-type junctional epidermolysis bullosa; EPIDERMOLYSIS BULLOSA JUNCTIONALIS, HERLITZ TYPE; EPIDERMOLYSIS BULLOSA, JUNCTIONAL, HERLITZ-PEARSON TYPE; EPIDERMOLYSIS BULLOSA, JUNCTIONAL 1B, SEVERE; JEB-HERLITZ TYPE. Identifiers: Orphanet 79404, MedGen C0079683, MONDO:0009182, OMIM 226700.
Junctional epidermolysis bullosa, non-Herlitz type. Also called: Adult junctional epidermolysis bullosa; Epidermolysis bullosa, junctional, non-herlitz type, somatic mosaic revertant; EPIDERMOLYSIS BULLOSA JUNCTIONALIS, DISENTIS TYPE; EPIDERMOLYSIS BULLOSA JUNCTIONALIS, NON-HERLITZ TYPE; EPIDERMOLYSIS BULLOSA JUNCTIONALIS, PROGRESSIVE; EPIDERMOLYSIS BULLOSA JUNCTIONALIS, SEVERE NONLETHAL. Identifiers: Orphanet 251393, Orphanet 79402, Orphanet 79405, Orphanet 89840, MedGen C0268374, MONDO:0009180, OMIM 226650.

Allele frequency attached by ClinVar (database versions not stated): gnomAD exomes 0.00001; ExAC 0.00002.

Submissions (2):

3billion
Classification: Likely pathogenic for Junctional epidermolysis bullosa, non-Herlitz type; Junctional epidermolysis bullosa gravis of Herlitz. Last evaluated: 2024-02-28. Review status: criteria provided, single submitter. Criteria: ACMG Guidelines, 2015. Collection method: clinical testing. Allele origin: germline. Affected: yes.
Comment: The variant is observed at an extremely low frequency in the gnomAD v2.1.1 dataset (total allele frequency: <0.001%). Predicted Consequence/Location: Intron variant In silico tools predict the variant to alter splicing and produce an abnormal transcript [SpliceAI: 0.93 (>=0.2, moderate evidence for spliceogenicity)]. The variant has been reported to be in trans with a pathogenic variant as either compound heterozygous or homozygous in at least one similarly affected unrelated individual (PMID: 36287101). The variant has been reported to be associated with LAMB3 related disorder (PMID: 36287101). Therefore, this variant is classified as Likely pathogenic according to the recommendation of ACMG/AMP guideline.

Neuberg Centre For Genomic Medicine, NCGM
Classification: Uncertain significance for Junctional epidermolysis bullosa, non-Herlitz type. Review status: criteria provided, single submitter. Criteria: ACMG Guidelines, 2015. Collection method: clinical testing. Allele origin: germline. Inheritance: Autosomal recessive inheritance. Affected: yes.
Comment: The splice region variant c.298+5G>C in LAMB3 (NM_000228.3) has not been reported previously as a pathogenic variant nor as a benign variant, to our knowledge. The c.298+5G>C variant is observed in 1/30,616 (0.0033%) alleles from individuals of South Asian background in gnomAD Exomes and is novel (not in any individuals) in 1000 Genomes. The nucleotide c.298+5G>C in LAMB3 is predicted conserved by GERP++ and PhyloP across 100 vertebrates. For these reasons, this variant has been classified as Uncertain Significance.

Literature cited by the submitters: PubMed 36287101 (cited by 3billion).